The following is an entry in ClinVar:

ClinVar aggregate classification (germline): Likely benign. Review status: criteria provided, single submitter (1 of 4 stars). 2 submissions from 2 submitters: Likely benign (1). 1 of the submissions does not count toward it. Last evaluated 2025-11-24.

Conditions:
DCTN1-related disorder. Also called: DCTN1-related condition.
Neuronopathy, distal hereditary motor, type 7B. Also called: Distal Hereditary Motor Neuronopathy Type 7B (dHMN7B); LOWER MOTOR NEURON DISEASE, DYNACTIN TYPE; HMN VIIB; NEURONOPATHY, DISTAL HEREDITARY MOTOR, AUTOSOMAL DOMINANT 14; NEURONOPATHY, DISTAL HEREDITARY MOTOR, HARDING TYPE VIIB; NEUROPATHY, DISTAL HEREDITARY MOTOR, HARDING TYPE VIIB. Identifiers: Orphanet 139589, MedGen C1843315, MONDO:0011879, OMIM 607641.
Amyotrophic lateral sclerosis type 1 (ALS1). Also called: AMYOTROPHIC LATERAL SCLEROSIS 1, FAMILIAL. Identifiers: Orphanet 803, MedGen C1862939, MONDO:0007103, OMIM 105400.
Perry syndrome. Also called: PARKINSONISM WITH ALVEOLAR HYPOVENTILATION AND MENTAL DEPRESSION. Identifiers: Orphanet 178509, MedGen C1868594, MONDO:0008201, OMIM 168605.

Allele frequency attached by ClinVar (database versions not stated): gnomAD 0.00001; gnomAD exomes 0.00001; ExAC 0.00002.
gnomAD v4.1: 20 of 1,614,084 alleles (0.0012%); highest among the groups gnomAD compares: Admixed American, 0.0033%; no homozygotes.

Submissions (2):

Labcorp Genetics (formerly Invitae), Labcorp
Classification: Likely benign for Amyotrophic lateral sclerosis type 1; Neuronopathy, distal hereditary motor, type 7B; Perry syndrome. Last evaluated: 2025-11-24. Review status: criteria provided, single submitter. Criteria: Invitae Variant Classification Sherloc (09022015). Collection method: clinical testing. Allele origin: germline.

PreventionGenetics, part of Exact Sciences
Classification: Likely benign for DCTN1-related condition. Last evaluated: 2024-08-01. Review status: no assertion criteria provided. Collection method: clinical testing. Allele origin: germline. Not counted in ClinVar's aggregate classification.
Comment: This variant is classified as likely benign based on ACMG/AMP sequence variant interpretation guidelines (Richards et al. 2015 PMID: 25741868, with internal and published modifications).

NM_004082.5(DCTN1):c.1977G>A (p.Ser659=)

Gene: DCTN1 (dynactin subunit 1; minus strand). Cytogenetic location: 2p13.1.
Variant type: single nucleotide variant.
Coding change: c.1977G>A on transcript NM_004082.5 (MANE Select); coding-DNA position 1977, G replaced by A.
Protein change: p.Ser659=; no amino-acid change (serine 659 retained).
Molecular consequence: synonymous variant. On other transcripts: non-coding transcript variant (1).
Genome position (GRCh38, 1-based): chr2:74,368,009, C>T on the plus strand (G>A on the coding strand, the complement: DCTN1 is on the minus strand). VCF-style: chr2-74368009-C-T. GRCh37 (hg19) VCF-style: chr2-74595136-C-T.
Other names: c.1917G>A, p.Ser639= (NM_001135040.3); c.1575G>A, p.Ser525= (NM_001135041.3, NM_023019.4); c.1866G>A, p.Ser622= (NM_001190836.2); c.1956G>A, p.Ser652= (NM_001190837.2); c.1926G>A, p.Ser642= (NM_001378991.1); c.1908G>A, p.Ser636= (NM_001378992.1).
Identifiers: ClinVar variation 774267 (VCV000774267.10), dbSNP rs750553689, ClinGen allele CA1721995.